The following is an entry in ClinVar:

ClinVar aggregate classification (germline): Likely pathogenic (0 of 4 stars; one submission).

Conditions:
Glycine encephalopathy. Also called: Nonketotic hyperglycinemia; Non-ketotic hyperglycinemia. Identifiers: Orphanet 407, MedGen C0751748, MONDO:0011612, HP:0008288.

Submission:

Juha Muilu Group; Institute for Molecular Medicine Finland (FIMM)
Classification: Likely pathogenic for Non-ketotic hyperglycinemia. Review status: no assertion criteria provided. Collection method: not provided. Allele origin: unknown.
Comment: FinDis database variant: This variant was not found or characterized by our laboratory, data were collected from public sources: see reference
ClinVar note: Converted during submission from probable-pathogenic to Likely pathogenic.

NM_000170.3(GLDC):c.2306C>T (p.Pro769Leu)

Gene: GLDC (glycine decarboxylase; minus strand). Cytogenetic location: 9p24.1.
Variant type: single nucleotide variant.
Coding change: c.2306C>T on transcript NM_000170.3 (MANE Select); coding-DNA position 2306, C replaced by T.
Protein change: p.Pro769Leu; replaces proline 769 with leucine.
Molecular consequence: missense variant.
Genome position (GRCh38, 1-based): chr9:6,554,678, G>A on the plus strand (C>T on the coding strand, the complement: GLDC is on the minus strand). VCF-style: chr9-6554678-G-A. GRCh37 (hg19) VCF-style: chr9-6554678-G-A.
Other names: short protein forms P769L.
Identifiers: ClinVar variation 56071 (VCV000056071.2), dbSNP rs386833552, ClinGen allele CA263356.